The following is an entry in ClinVar:

ClinVar aggregate classification (germline): Uncertain significance (1 of 4 stars; one submission).

Allele frequency attached by ClinVar (database versions not stated): gnomAD 0.00001; gnomAD exomes 0.00001 and 0.00002; TOPMed 0.00001; ExAC 0.00004.
gnomAD v4.1: 20 of 1,610,776 alleles (0.0012%); highest among the groups gnomAD compares: Middle Eastern, 0.016%; no homozygotes.

Submission:

Labcorp Genetics (formerly Invitae), Labcorp
Classification: Uncertain significance. Last evaluated: 2024-03-26. Review status: criteria provided, single submitter. Criteria: Invitae Variant Classification Sherloc (09022015). Collection method: clinical testing. Allele origin: germline.
Comment: This sequence change replaces arginine, which is basic and polar, with glutamine, which is neutral and polar, at codon 970 of the DSCAML1 protein (p.Arg970Gln). This variant is present in population databases (rs754618507, gnomAD 0.007%). This variant has not been reported in the literature in individuals affected with DSCAML1-related conditions. ClinVar contains an entry for this variant (Variation ID: 1371001). An algorithm developed to predict the effect of missense changes on protein structure and function (PolyPhen-2) suggests that this variant is likely to be disruptive. In summary, the available evidence is currently insufficient to determine the role of this variant in disease. Therefore, it has been classified as a Variant of Uncertain Significance.

NM_020693.4(DSCAML1):c.2729G>A (p.Arg910Gln)

Gene: DSCAML1 (DS cell adhesion molecule like 1; minus strand). Cytogenetic location: 11q23.3.
Variant type: single nucleotide variant.
Coding change: c.2729G>A on transcript NM_020693.4 (MANE Select); coding-DNA position 2729, G replaced by A.
Protein change: p.Arg910Gln; replaces arginine 910 with glutamine.
Molecular consequence: missense variant.
Genome position (GRCh38, 1-based): chr11:117,480,499, C>T on the plus strand (G>A on the coding strand, the complement: DSCAML1 is on the minus strand). VCF-style: chr11-117480499-C-T. GRCh37 (hg19) VCF-style: chr11-117351214-C-T.
Other names: c.2729G>A, p.Arg910Gln (NM_001367904.1); short protein forms R910Q.
Identifiers: ClinVar variation 1371001 (VCV001371001.6), dbSNP rs754618507, ClinGen allele CA6296900.